The following is an entry in ClinVar:

NM_000268.4(NF2):c.875T>C (p.Val292Ala)

Gene: NF2 (NF2, moesin-ezrin-radixin like (MERLIN) tumor suppressor; plus strand). Cytogenetic location: 22q12.2.
Variant type: single nucleotide variant.
Coding change: c.875T>C on transcript NM_000268.4 (MANE Select); coding-DNA position 875, T replaced by C.
Protein change: p.Val292Ala; replaces valine 292 with alanine.
Molecular consequence: missense variant. On other transcripts: non-coding transcript variant (1), intron variant (1).
Genome position (GRCh38, 1-based): chr22:29,665,054, T>C. VCF-style: chr22-29665054-T-C. GRCh37 (hg19) VCF-style: chr22-30061043-T-C.
Other names: c.761T>C, p.Val254Ala (NM_001407053.1, NM_001407056.1); c.752T>C, p.Val251Ala (NM_001407054.1, NM_001407058.1, NM_181829.3); c.749T>C, p.Val250Ala (NM_001407055.1, NM_181828.3); c.740T>C, p.Val247Ala (NM_001407057.1, NM_001407059.1); c.875T>C, p.Val292Ala (NM_001407060.1, NM_001407066.1, NM_016418.5 and 2 more transcripts); c.617T>C, p.Val206Ala (NM_001407062.1); c.626T>C, p.Val209Ala (NM_001407063.1, NM_001407064.1, NM_181830.3 and 1 more transcripts); c.341T>C, p.Val114Ala (NM_001407065.1); and 2 more; short protein forms V114A, V215A, V254A, V292A, V206A, V247A, V250A, V209A.
Identifiers: ClinVar variation 1764576 (VCV001764576.2), dbSNP rs2518624619, ClinGen allele CA411144795.

ClinVar aggregate classification (germline): Uncertain significance (1 of 4 stars; one submission).

Conditions:
Hereditary cancer-predisposing syndrome. Also called: Neoplastic Syndromes, Hereditary; Tumor predisposition; Hereditary Cancer Syndrome; Hereditary neoplastic syndrome. Identifiers: Orphanet 140162, MedGen C0027672, MeSH D009386, MONDO:0015356.

Submission:

Ambry Genetics
Classification: Uncertain significance for Hereditary cancer-predisposing syndrome. Last evaluated: 2022-04-04. Review status: criteria provided, single submitter. Criteria: Ambry Variant Classification Scheme 2023. Collection method: clinical testing. Allele origin: germline.
Comment: The p.V292A variant (also known as c.875T>C), located in coding exon 9 of the NF2 gene, results from a T to C substitution at nucleotide position 875. The valine at codon 292 is replaced by alanine, an amino acid with similar properties. This amino acid position is conserved. In addition, the in silico prediction for this alteration is inconclusive. Since supporting evidence is limited at this time, the clinical significance of this alteration remains unclear.